The following is an entry in ClinVar:

NM_004360.5(CDH1):c.67C>T (p.Gln23Ter)

Gene: CDH1 (cadherin 1; plus strand). Cytogenetic location: 16q22.1.
Variant type: single nucleotide variant.
Coding change: c.67C>T on transcript NM_004360.5 (MANE Select); coding-DNA position 67, C replaced by T.
Protein change: p.Gln23Ter; replaces glutamine 23 with a stop codon.
Molecular consequence: nonsense. On other transcripts: 5 prime UTR variant (2).
Genome position (GRCh38, 1-based): chr16:68,738,315, C>T. VCF-style: chr16-68738315-C-T. GRCh37 (hg19) VCF-style: chr16-68772218-C-T.
Other names: c.67C>T, p.Gln23Ter (NM_001317184.2); c.-1549C>T (NM_001317185.2); c.-1753C>T (NM_001317186.2); c.67C>T (NM_004360.4); short protein forms Q23*.
Identifiers: ClinVar variation 946040 (VCV000946040.17), dbSNP rs1962456814, ClinGen allele CA396451685.

ClinVar aggregate classification (germline): Pathogenic. Review status: criteria provided, multiple submitters, no conflicts (2 of 4 stars). 6 submissions from 6 submitters: Pathogenic (6). Last evaluated 2025-06-12.
ClinVar aggregate classification (oncogenicity): Oncogenic (1 of 4 stars; one submission).

Conditions:
CDH1-related diffuse gastric and lobular breast cancer syndrome. Also called: CDH1-related diffuse gastric and lobular breast cancer. Identifiers: MedGen CN311521, MONDO:0100488.
Hereditary diffuse gastric adenocarcinoma (HDGC). Also called: DIFFUSE GASTRIC AND LOBULAR BREAST CANCER SYNDROME. Identifiers: Orphanet 26106, MedGen C1708349, MONDO:0007648, OMIM 137215.
Hereditary cancer-predisposing syndrome. Also called: Neoplastic Syndromes, Hereditary; Hereditary neoplastic syndrome; Tumor predisposition; Hereditary Cancer Syndrome. Identifiers: Orphanet 140162, MedGen C0027672, MeSH D009386, MONDO:0015356.
Neoplasm. Also called: tumor; Neoplasms; Neoplasm (disease). Identifiers: MedGen C0027651, MeSH D009369, MONDO:0005070, HP:0002664.

Allele frequency attached by ClinVar (database versions not stated): gnomAD exomes below 0.00001.

Submissions (7):

Center for Genomic Medicine, Rigshospitalet, Copenhagen University Hospital
Classification: Oncogenic for Neoplasm. Last evaluated: 2026-10-16. Review status: criteria provided, single submitter. Criteria: ClinGen/CGC/VICC Guidelines for Oncogenicity, 2022. Collection method: clinical testing. Allele origin: somatic. Affected: yes.

Molecular Diagnostics Laboratory, Catalan Institute of Oncology
Classification: Pathogenic for Hereditary cancer-predisposing syndrome. Last evaluated: 2025-06-12. Review status: criteria provided, single submitter. Criteria: ClinGen CDH1 ACMG Specifications CDH1 V3.1.0. Collection method: clinical testing. Allele origin: germline.
Comment: PVS1, PS4_Supporting, PM2_Supporting, PM5_PTC_Supporting c.67C>T, located in exon 2 of the CDH1 gene, is a nonsense variant expected to result in loss of function by premature protein truncation and nonsense-mediated mRNA decay (PVS1, PM5_PTC_Supporting). It is not present in the population database gnomAD v2.1.1, non cancer dataset (PM2_Supporting). The SpliceAI algorithm predicts no significant impact on splicing. To our knowledge, no well-stablished functional studies have been reported for this variant. It variant has been identified in one family meets HDGC criteria (PMID: 28688938)(PS4_Supporting). c.67C>T has been reported in the ClinVar database (5x pathogenic) and in the LOVD database (1x pathogenic). Based on currently available information, the variant c.67C>T should be considered a pathogenic variant according to ClinGen-[CDH1] Guidelines version 3.1

Myriad Genetics, Inc.
Classification: Pathogenic for Hereditary diffuse gastric adenocarcinoma. Last evaluated: 2023-06-08. Review status: criteria provided, single submitter. Criteria: Myriad Autosomal Dominant, Autosomal Recessive and X-Linked Classification Criteria (2023). Collection method: clinical testing. Allele origin: unknown.
Comment: This variant is considered pathogenic. This variant creates a termination codon and is predicted to result in premature protein truncation.

Department of Pathology and Laboratory Medicine, Sinai Health System
Classification: Pathogenic for CDH1-related diffuse gastric and lobular breast cancer syndrome. Last evaluated: 2022-10-06. Review status: criteria provided, single submitter. Criteria: ACMG Guidelines, 2015. Collection method: clinical testing. Allele origin: germline. Affected: no.

European Reference Network on Genetic Tumour Risk Syndromes (ERN-GENTURIS), i3s - Instituto de Investigação e Inovação em Saúde, University of Porto
Classification: Pathogenic for Hereditary diffuse gastric adenocarcinoma. Last evaluated: 2022-08-01. Review status: criteria provided, single submitter. Criteria: Lee et al. (Hum Mutat. 2018). Collection method: clinical testing. Allele origin: germline. Inheritance: Autosomal dominant inheritance. Affected: yes. Study: ERN GENTURIS.
Comment: PVS1; PS4_Supporting; PM2 (PMID: 30311375)

Ambry Genetics
Classification: Pathogenic for Hereditary cancer-predisposing syndrome. Last evaluated: 2021-04-30. Review status: criteria provided, single submitter. Criteria: Ambry Variant Classification Scheme 2023. Collection method: clinical testing. Allele origin: germline.
Comment: The p.Q23* pathogenic mutation (also known as c.67C>T), located in coding exon 2 of the CDH1 gene, results from a C to T substitution at nucleotide position 67. This changes the amino acid from a glutamine to a stop codon within coding exon 2. This alteration was identified in an individual whose personal and/or family history met clinical criteria for a diagnosis of hereditary diffuse gastric cancer (Mi EZ et al. Gastrointest Endosc. 2018 02;87:408-418). This variant was also identified in 1/292 individuals with breast cancer (Xie Y et al. Clin Genet. 2018 Jan;93:41-51). In addition to the clinical data presented in the literature, this alteration is expected to result in loss of function by premature protein truncation or nonsense-mediated mRNA decay. As such, this alteration is interpreted as a disease-causing mutation.

Labcorp Genetics (formerly Invitae), Labcorp
Classification: Pathogenic for Hereditary diffuse gastric adenocarcinoma. Last evaluated: 2020-02-11. Review status: criteria provided, single submitter. Criteria: Invitae Variant Classification Sherloc (09022015). Collection method: clinical testing. Allele origin: germline.
Comment: For these reasons, this variant has been classified as Pathogenic. Loss-of-function variants in CDH1 are known to be pathogenic (PMID: 15235021, 20373070). This variant has been observed in an individual affected with hereditary diffuse gastric cancer (PMID: 28688938). This variant is not present in population databases (ExAC no frequency). This sequence change creates a premature translational stop signal (p.Gln23*) in the CDH1 gene. It is expected to result in an absent or disrupted protein product.

Literature cited by the submitters: PubMed 36436516 (cited by European Reference Network on Genetic Tumour Risk Syndromes (ERN-GENTURIS), i3s - Instituto de Investigação e Inovação em Saúde, University of Porto); PubMed 28580595 (cited by Ambry Genetics); PubMed 28688938 (cited by Ambry Genetics and Labcorp Genetics (formerly Invitae), Labcorp); PubMed 15235021 (cited by Labcorp Genetics (formerly Invitae), Labcorp); PubMed 20373070 (cited by Labcorp Genetics (formerly Invitae), Labcorp).